The following is an entry in ClinVar:

NM_007129.5(ZIC2):c.1239+12_1239+13delinsAT

Gene: ZIC2 (Zic family zinc finger 2; plus strand). Cytogenetic location: 13q32.3.
Variant type: Indel.
Coding change: c.1239+12_1239+13delinsAT on transcript NM_007129.5 (MANE Select); bases 12 to 13 of the intron after coding-DNA position 1239, GC replaced by AT.
Molecular consequence: intron variant.
Genome position (GRCh38, 1-based): chr13:99,985,121-99,985,122, GC replaced by AT. VCF-style: chr13-99985121-GC-AT. GRCh37 (hg19) VCF-style: chr13-100637375-GC-AT.
Identifiers: ClinVar variation 4715323 (VCV004715323.1).

ClinVar aggregate classification (germline): Uncertain significance (1 of 4 stars; one submission).

Conditions:
Holoprosencephaly 5 (HPE5). Identifiers: Orphanet 2162, MedGen C1864827, MONDO:0012322, OMIM 609637.

Submission:

Labcorp Genetics (formerly Invitae), Labcorp
Classification: Uncertain significance for Holoprosencephaly 5. Last evaluated: 2025-03-20. Review status: criteria provided, single submitter. Criteria: Invitae Variant Classification Sherloc (09022015). Collection method: clinical testing. Allele origin: germline.
Comment: This sequence change falls in intron 2 of the ZIC2 gene. It does not directly change the encoded amino acid sequence of the ZIC2 protein. Information on the frequency of this variant in the gnomAD database is not available, as this variant may be reported differently in the database. This variant has not been reported in the literature in individuals affected with ZIC2-related conditions. In summary, the available evidence is currently insufficient to determine the role of this variant in disease. Therefore, it has been classified as a Variant of Uncertain Significance.